The following is an entry in ClinVar:

NM_005751.5(AKAP9):c.3752-128A>G

Gene: AKAP9 (A-kinase anchoring protein 9; plus strand). Cytogenetic location: 7q21.2.
Variant type: single nucleotide variant.
Coding change: c.3752-128A>G on transcript NM_005751.5 (MANE Select); 128 bases into the intron before coding-DNA position 3752, A replaced by G.
Molecular consequence: intron variant.
Genome position (GRCh38, 1-based): chr7:92,016,889, A>G. VCF-style: chr7-92016889-A-G. GRCh37 (hg19) VCF-style: chr7-91646203-A-G.
Other names: c.3752-128A>G (NM_147185.3).
Identifiers: ClinVar variation 674327 (VCV000674327.1), dbSNP rs12534339, ClinGen allele CA161885665.

ClinVar aggregate classification (germline): Likely benign (1 of 4 stars; one submission).

Allele frequency attached by ClinVar (database versions not stated): gnomAD 0.01604 and 0.01657; TOPMed 0.02200; 1000 Genomes Project 0.03554; 1000 Genomes Project 30x 0.03576.
gnomAD v4.1: 8,642 of 663,988 alleles (1.3%); highest among the groups gnomAD compares: East Asian, 9.3%; 315 homozygotes.

Submission:

GeneDx
Classification: Likely benign. Last evaluated: 2018-06-19. Review status: criteria provided, single submitter. Criteria: GeneDx Variant Classification (06012015). Collection method: clinical testing. Allele origin: germline. Affected: yes.
Comment: This variant is considered likely benign or benign based on one or more of the following criteria: it is a conservative change, it occurs at a poorly conserved position in the protein, it is predicted to be benign by multiple in silico algorithms, and/or has population frequency not consistent with disease.